The following is an entry in ClinVar:

ClinVar aggregate classification (germline): Uncertain significance (1 of 4 stars; one submission).

Submission:

Labcorp Genetics (formerly Invitae), Labcorp
Classification: Uncertain significance. Last evaluated: 2022-09-15. Review status: criteria provided, single submitter. Criteria: Invitae Variant Classification Sherloc (09022015). Collection method: clinical testing. Allele origin: germline.
Comment: This variant has not been reported in the literature in individuals affected with PPM1D-related conditions. This sequence change replaces arginine, which is basic and polar, with lysine, which is basic and polar, at codon 583 of the PPM1D protein (p.Arg583Lys). This variant is not present in population databases (gnomAD no frequency). Algorithms developed to predict the effect of missense changes on protein structure and function (SIFT, PolyPhen-2, Align-GVGD) all suggest that this variant is likely to be tolerated. In summary, the available evidence is currently insufficient to determine the role of this variant in disease. Therefore, it has been classified as a Variant of Uncertain Significance.

NM_003620.4(PPM1D):c.1748G>A (p.Arg583Lys)

Gene: PPM1D (protein phosphatase, Mg2+/Mn2+ dependent 1D; plus strand). Cytogenetic location: 17q23.2.
Variant type: single nucleotide variant.
Coding change: c.1748G>A on transcript NM_003620.4 (MANE Select); coding-DNA position 1748, G replaced by A.
Protein change: p.Arg583Lys; replaces arginine 583 with lysine.
Molecular consequence: missense variant.
Genome position (GRCh38, 1-based): chr17:60,663,482, G>A. VCF-style: chr17-60663482-G-A. GRCh37 (hg19) VCF-style: chr17-58740843-G-A.
Other names: short protein forms R583K.
Identifiers: ClinVar variation 2184671 (VCV002184671.4), dbSNP rs2544470930, ClinGen allele CA400459224.